The following is an entry in ClinVar:

NM_182641.4(BPTF):c.4825G>A (p.Asp1609Asn)

Gene: BPTF (bromodomain PHD finger transcription factor; plus strand). Cytogenetic location: 17q24.2.
Variant type: single nucleotide variant.
Coding change: c.4825G>A on transcript NM_182641.4 (MANE Select); coding-DNA position 4825, G replaced by A.
Protein change: p.Asp1609Asn; replaces aspartic acid 1609 with asparagine.
Molecular consequence: missense variant.
Genome position (GRCh38, 1-based): chr17:67,912,709, G>A. VCF-style: chr17-67912709-G-A. GRCh37 (hg19) VCF-style: chr17-65908825-G-A.
Other names: c.5203G>A, p.Asp1735Asn (NM_004459.7); short protein forms D1609N, D1735N.
Identifiers: ClinVar variation 3680257 (VCV003680257.2).

ClinVar aggregate classification (germline): Uncertain significance (1 of 4 stars; one submission).

gnomAD v4.1: 27 of 1,613,898 alleles (0.0017%); highest among the groups gnomAD compares: Middle Eastern, 0.016%; no homozygotes.

Submission:

Labcorp Genetics (formerly Invitae), Labcorp
Classification: Uncertain significance. Last evaluated: 2024-08-08. Review status: criteria provided, single submitter. Criteria: Invitae Variant Classification Sherloc (09022015). Collection method: clinical testing. Allele origin: germline.
Comment: This sequence change replaces aspartic acid, which is acidic and polar, with asparagine, which is neutral and polar, at codon 1735 of the BPTF protein (p.Asp1735Asn). This variant is present in population databases (rs765650702, gnomAD 0.02%). This variant has not been reported in the literature in individuals affected with BPTF-related conditions. An algorithm developed to predict the effect of missense changes on protein structure and function (PolyPhen-2) suggests that this variant is likely to be disruptive. In summary, the available evidence is currently insufficient to determine the role of this variant in disease. Therefore, it has been classified as a Variant of Uncertain Significance.